The following is an entry in ClinVar:

ClinVar aggregate classification (germline): Uncertain significance (1 of 4 stars; one submission).

Conditions:
Hereditary cancer-predisposing syndrome. Also called: Neoplastic Syndromes, Hereditary; Hereditary Cancer Syndrome; Hereditary neoplastic syndrome; Tumor predisposition. Identifiers: Orphanet 140162, MedGen C0027672, MeSH D009386, MONDO:0015356.

Submission:

Ambry Genetics
Classification: Uncertain significance for Hereditary cancer-predisposing syndrome. Last evaluated: 2023-04-08. Review status: criteria provided, single submitter. Criteria: Ambry Variant Classification Scheme 2023. Collection method: clinical testing. Allele origin: germline.
Comment: The p.V384A variant (also known as c.1151T>C), located in coding exon 11 of the TSC2 gene, results from a T to C substitution at nucleotide position 1151. The valine at codon 384 is replaced by alanine, an amino acid with similar properties. This amino acid position is conserved. In addition, the in silico prediction for this alteration is inconclusive. Since supporting evidence is limited at this time, the clinical significance of this alteration remains unclear.

NM_000548.5(TSC2):c.1151T>C (p.Val384Ala)

Gene: TSC2 (TSC complex subunit 2; plus strand). Cytogenetic location: 16p13.3.
Variant type: single nucleotide variant.
Coding change: c.1151T>C on transcript NM_000548.5 (MANE Select); coding-DNA position 1151, T replaced by C.
Protein change: p.Val384Ala; replaces valine 384 with alanine.
Molecular consequence: missense variant. On other transcripts: 5 prime UTR variant (10), non-coding transcript variant (5).
Genome position (GRCh38, 1-based): chr16:2,061,902, T>C. VCF-style: chr16-2061902-T-C. GRCh37 (hg19) VCF-style: chr16-2111903-T-C.
Other names: c.1151T>C, p.Val384Ala (NM_001077183.3, NM_001114382.3, NM_001363528.2 and 6 more transcripts); c.1040T>C, p.Val347Ala (NM_001318827.2, NM_001406670.1, NM_001406678.1); c.1004T>C, p.Val335Ala (NM_001318829.2, NM_001406675.1, NM_001406676.1 and 1 more transcripts); c.551T>C, p.Val184Ala (NM_001318831.2, NM_001406680.1, NM_001406682.1 and 6 more transcripts); c.1184T>C, p.Val395Ala (NM_001318832.2); c.1241T>C, p.Val414Ala (NM_001406667.1, NM_001406668.1); c.1139T>C, p.Val380Ala (NM_001406671.1, NM_001406673.1); c.1094T>C, p.Val365Ala (NM_001406677.1); and 4 more; short protein forms V184A, V414A, V380A, V395A, V335A, V347A, V384A, V230A.
Identifiers: ClinVar variation 2564637 (VCV002564637.2), dbSNP rs397515214, ClinGen allele CA394320060.
Genomic context (GRCh38, chr16:2,061,902, plus strand): 5'-AGCCTGTGTCATCGTGCCTGGTACTGCAGACCTTGGACAGCCCGGAGCTCAGGACCATCG[T>C]CCATGACCTGTTGACCACGGTGGAGGAGCTGTGTGACCAGAACGAGTTCCACGGGTCTCA-3'
Protein context (NP_000539.2, residues 374-394): TLDSPELRTI[Val384Ala]HDLLTTVEEL